The following is an entry in ClinVar:

ClinVar aggregate classification (germline): Likely benign. Review status: criteria provided, multiple submitters, no conflicts (2 of 4 stars). 3 submissions from 3 submitters: Likely benign (2). 1 of the submissions does not count toward it. Last evaluated 2025-07-19.

Conditions:
HNRNPA2B1-related disorder. Also called: HNRNPA2B1-related condition.
Inclusion body myopathy with early-onset Paget disease with or without frontotemporal dementia 2 (IBMPFD2). Also called: MULTISYSTEM PROTEINOPATHY 2. Identifiers: MedGen C3809468, MONDO:0014178, OMIM 615422.

Allele frequency attached by ClinVar (database versions not stated): gnomAD 0.00001; gnomAD exomes 0.00001 and 0.00006; TOPMed 0.00002.
gnomAD v4.1: 35 of 1,613,058 alleles (0.0022%); highest among the groups gnomAD compares: Non-Finnish European, 0.003%; no homozygotes.

Submissions (3):

Labcorp Genetics (formerly Invitae), Labcorp
Classification: Likely benign for Inclusion body myopathy with early-onset Paget disease with or without frontotemporal dementia 2. Last evaluated: 2025-07-19. Review status: criteria provided, single submitter. Criteria: Invitae Variant Classification Sherloc (09022015). Collection method: clinical testing. Allele origin: germline.

Blueprint Genetics
Classification: Likely benign. Last evaluated: 2024-11-25. Review status: criteria provided, single submitter. Criteria: ACMG Guidelines, 2015. Collection method: clinical testing. Allele origin: germline.

PreventionGenetics, part of Exact Sciences
Classification: Likely benign for HNRNPA2B1-related condition. Last evaluated: 2021-06-21. Review status: no assertion criteria provided. Collection method: clinical testing. Allele origin: germline. Not counted in ClinVar's aggregate classification.
Comment: This variant is classified as likely benign based on ACMG/AMP sequence variant interpretation guidelines (Richards et al. 2015 PMID: 25741868, with internal and published modifications).

NM_002137.4(HNRNPA2B1):c.240G>A (p.Glu80=)

Gene: HNRNPA2B1 (heterogeneous nuclear ribonucleoprotein A2/B1; minus strand). Cytogenetic location: 7p15.2.
Variant type: single nucleotide variant.
Coding change: c.240G>A on transcript NM_002137.4 (MANE Select); coding-DNA position 240, G replaced by A.
Protein change: p.Glu80=; no amino-acid change (glutamic acid 80 retained).
Molecular consequence: synonymous variant.
Genome position (GRCh38, 1-based): chr7:26,197,339, C>T on the plus strand (G>A on the coding strand, the complement: HNRNPA2B1 is on the minus strand). VCF-style: chr7-26197339-C-T. GRCh37 (hg19) VCF-style: chr7-26236959-C-T.
Other names: c.276G>A, p.Glu92= (NM_031243.4).
Identifiers: ClinVar variation 1123541 (VCV001123541.12), dbSNP rs903178880, ClinGen allele CA155916776.
Genomic context (GRCh38, chr7:26,197,339, plus strand): 5'-TCATGTTAATGCACAAGACAGTCATTGTTTGCTTACCTCTCTTGCTACAGCACGTTTTGG[C>T]TCAACTACTCTCCCATCAATTGAATGAGGTCTTGCAGCCATGGCAGCATCAACCTCAGCC-3'
Protein context (NP_002128.1, residues 70-90): RPHSIDGRVV[Glu80=]PKRAVAREES